The following is an entry in ClinVar:

NM_017780.4(CHD7):c.8678dup (p.Leu2894fs)

Gene: CHD7 (chromodomain helicase DNA binding protein 7; plus strand). Cytogenetic location: 8q12.2.
Variant type: Duplication.
Coding change: c.8678dup on transcript NM_017780.4 (MANE Select); coding-DNA position 8678, one base duplicated (T; older notation c.8678dupT).
Protein change: p.Leu2894fs; shifts the reading frame from leucine 2894.
Molecular consequence: frameshift variant.
Genome position (GRCh38, 1-based): chr8:60,865,617, T duplicated; the last of 3 consecutive T bases (chr8:60,865,615-60,865,617); duplicating any one gives the same sequence. VCF-style (leftmost placement, unchanged base first): chr8-60865614-C-CT. GRCh37 (hg19) VCF-style: chr8-61778173-C-CT.
Other names: c.2531dup, p.Leu845fs (NM_001316690.1); c.8678dupT (NM_017780.4); short protein forms L2894fs, L845fs.
Identifiers: ClinVar variation 4819313 (VCV004819313.1).

ClinVar aggregate classification (germline): Pathogenic (1 of 4 stars; one submission).

Conditions:
CHD7-related CHARGE syndrome. Identifiers: MedGen CN380413, MONDO:1010178, OMIM 214800.

Submission:

Molecular Genetics Laboratory, Motol Hospital
Classification: Pathogenic for CHD7-related CHARGE syndrome. Last evaluated: 2012-09-20. Review status: criteria provided, single submitter. Criteria: ACMG Guidelines, 2015. Collection method: clinical testing. Allele origin: de novo. Affected: yes. Observed: 1 variant allele.
Comment: Rare loss-of-function variants in the CHD7 gene are associated with autosomal dominant CHARGE syndrome (MIM:214800). Rare variant not present in the non-Finnish European poulation (gnomAD v4.1.0). The variant is classified as pathogenic.